The following is an entry in ClinVar:

ClinVar aggregate classification (germline): Uncertain significance (1 of 4 stars; one submission).

gnomAD v4.1: 11 of 1,612,090 alleles (0.00068%); highest among the groups gnomAD compares: Non-Finnish European, 0.00093%; no homozygotes.

Submission:

Labcorp Genetics (formerly Invitae), Labcorp
Classification: Uncertain significance. Last evaluated: 2025-03-17. Review status: criteria provided, single submitter. Criteria: Invitae Variant Classification Sherloc (09022015). Collection method: clinical testing. Allele origin: germline.
Comment: This sequence change replaces leucine, which is neutral and non-polar, with proline, which is neutral and non-polar, at codon 735 of the CACNA1B protein (p.Leu735Pro). This variant is not present in population databases (gnomAD no frequency). This variant has not been reported in the literature in individuals affected with CACNA1B-related conditions. Invitae Evidence Modeling of protein sequence and biophysical properties (such as structural, functional, and spatial information, amino acid conservation, physicochemical variation, residue mobility, and thermodynamic stability) indicates that this missense variant is not expected to disrupt CACNA1B protein function with a negative predictive value of 80%. In summary, the available evidence is currently insufficient to determine the role of this variant in disease. Therefore, it has been classified as a Variant of Uncertain Significance.

NM_000718.4(CACNA1B):c.2204T>C (p.Leu735Pro)

Gene: CACNA1B (calcium voltage-gated channel subunit alpha1 B; plus strand). Cytogenetic location: 9q34.3.
Variant type: single nucleotide variant.
Coding change: c.2204T>C on transcript NM_000718.4 (MANE Select); coding-DNA position 2204, T replaced by C.
Protein change: p.Leu735Pro; replaces leucine 735 with proline.
Molecular consequence: missense variant.
Genome position (GRCh38, 1-based): chr9:138,013,172, T>C. VCF-style: chr9-138013172-T-C. GRCh37 (hg19) VCF-style: chr9-140907624-T-C.
Other names: c.2204T>C, p.Leu735Pro (NM_001243812.2); short protein forms L735P.
Identifiers: ClinVar variation 4696879 (VCV004696879.1).